The following is an entry in ClinVar:

NM_001199138.2(NLRC4):c.1+5G>T

Gene: NLRC4 (NLR family CARD domain containing 4; minus strand). Cytogenetic location: 2p22.3.
Variant type: single nucleotide variant.
Coding change: c.1+5G>T on transcript NM_001199138.2 (MANE Select); 5 bases into the intron after coding-DNA position 1, G replaced by T.
Molecular consequence: intron variant.
Genome position (GRCh38, 1-based): chr2:32,256,770, C>A on the plus strand (G>T on the coding strand, the complement: NLRC4 is on the minus strand). VCF-style: chr2-32256770-C-A. GRCh37 (hg19) VCF-style: chr2-32481839-C-A.
Other names: c.1+5G>T (NM_001302504.1, NM_021209.4, NM_001199139.1).
Identifiers: ClinVar variation 1470857 (VCV001470857.6), dbSNP rs1687216554, ClinGen allele CA1029027849.

ClinVar aggregate classification (germline): Uncertain significance (1 of 4 stars; one submission).

Conditions:
Periodic fever-infantile enterocolitis-autoinflammatory syndrome. Also called: Autoinflammation with infantile enterocolitis. Identifiers: Orphanet 436166, MedGen C4015067, MONDO:0014472, OMIM 616050.
Familial cold autoinflammatory syndrome 4 (FCAS4). Identifiers: Orphanet 47045, Orphanet 576349, MedGen C4015276, MONDO:0014498, OMIM 616115.

Allele frequency attached by ClinVar (database versions not stated): gnomAD 0.00001; gnomAD exomes below 0.00001; TOPMed 0.00001.
gnomAD v4.1: 2 of 780,740 alleles (0.00026%); highest among the groups gnomAD compares: Non-Finnish European, 0.00048%; no homozygotes.

Submission:

Labcorp Genetics (formerly Invitae), Labcorp
Classification: Uncertain significance for Periodic fever-infantile enterocolitis-autoinflammatory syndrome; Familial cold autoinflammatory syndrome 4. Last evaluated: 2021-11-27. Review status: criteria provided, single submitter. Criteria: Invitae Variant Classification Sherloc (09022015). Collection method: clinical testing. Allele origin: germline.
Comment: This sequence change falls in intron 2 of the NLRC4 gene. It does not directly change the encoded amino acid sequence of the NLRC4 protein. It affects a nucleotide within the consensus splice site. This variant is not present in population databases (gnomAD no frequency). This variant has not been reported in the literature in individuals affected with NLRC4-related conditions. Variants that disrupt the consensus splice site are a relatively common cause of aberrant splicing (PMID: 17576681, 9536098). Algorithms developed to predict the effect of sequence changes on RNA splicing suggest that this variant may disrupt the consensus splice site. In summary, the available evidence is currently insufficient to determine the role of this variant in disease. Therefore, it has been classified as a Variant of Uncertain Significance.

Literature cited by the submitters: PubMed 17576681; PubMed 9536098.